The following is an entry in ClinVar:

NM_022168.4(IFIH1):c.3006G>T (p.Lys1002Asn)

Gene: IFIH1 (interferon induced with helicase C domain 1; minus strand). Cytogenetic location: 2q24.2.
Variant type: single nucleotide variant.
Coding change: c.3006G>T on transcript NM_022168.4 (MANE Select); coding-DNA position 3006, G replaced by T.
Protein change: p.Lys1002Asn; replaces lysine 1002 with asparagine.
Molecular consequence: missense variant.
Genome position (GRCh38, 1-based): chr2:162,267,272, C>A on the plus strand (G>T on the coding strand, the complement: IFIH1 is on the minus strand). VCF-style: chr2-162267272-C-A. GRCh37 (hg19) VCF-style: chr2-163123782-C-A.
Other names: short protein forms K1002N.
Identifiers: ClinVar variation 1941345 (VCV001941345.5), dbSNP rs776754156, ClinGen allele CA348988883.

ClinVar aggregate classification (germline): Uncertain significance (1 of 4 stars; one submission).

Conditions:
Singleton-Merten syndrome 1 (SGMRT1). Also called: Widened medullary cavities of bone, aortic calcification, abnormal dentition, and muscular weakness; Syndrome of widened medullary cavities of the metacarpals and phalanges, aortic calcification and abnormal dentition. Identifiers: Orphanet 85191, MedGen C4225427, MONDO:0024535, OMIM 182250.
Aicardi-Goutieres syndrome 7 (AGS7). Identifiers: Orphanet 51, MedGen C3888244, MONDO:0014367, OMIM 615846.

gnomAD v4.1: 3 of 1,612,046 alleles (0.00019%); highest among the groups gnomAD compares: Non-Finnish European, 0.00025%; no homozygotes.

Submission:

Labcorp Genetics (formerly Invitae), Labcorp
Classification: Uncertain significance for Aicardi-Goutieres syndrome 7; Singleton-Merten syndrome 1. Last evaluated: 2025-09-23. Review status: criteria provided, single submitter. Criteria: Invitae Variant Classification Sherloc (09022015). Collection method: clinical testing. Allele origin: germline.
Comment: This sequence change replaces lysine, which is basic and polar, with asparagine, which is neutral and polar, at codon 1002 of the IFIH1 protein (p.Lys1002Asn). This variant is not present in population databases (gnomAD no frequency). This variant has not been reported in the literature in individuals affected with IFIH1-related conditions. ClinVar contains an entry for this variant (Variation ID: 1941345). Invitae Evidence Modeling of protein sequence and biophysical properties (such as structural, functional, and spatial information, amino acid conservation, physicochemical variation, residue mobility, and thermodynamic stability) has been performed for this missense variant. However, the output from this modeling did not meet the statistical confidence thresholds required to predict the impact of this variant on IFIH1 protein function. In summary, the available evidence is currently insufficient to determine the role of this variant in disease. Therefore, it has been classified as a Variant of Uncertain Significance.